The following is an entry in ClinVar:

NM_006218.4(PIK3CA):c.1831G>A (p.Val611Ile)

Gene: PIK3CA (phosphatidylinositol-4,5-bisphosphate 3-kinase catalytic subunit alpha; plus strand). Cytogenetic location: 3q26.32.
Variant type: single nucleotide variant.
Coding change: c.1831G>A on transcript NM_006218.4 (MANE Select); coding-DNA position 1831, G replaced by A.
Protein change: p.Val611Ile; replaces valine 611 with isoleucine.
Molecular consequence: missense variant.
Genome position (GRCh38, 1-based): chr3:179,219,655, G>A. VCF-style: chr3-179219655-G-A. GRCh37 (hg19) VCF-style: chr3-178937443-G-A.
Other names: short protein forms V611I.
Identifiers: ClinVar variation 1780968 (VCV001780968.2), dbSNP rs1724920976, ClinGen allele CA355266435.

ClinVar aggregate classification (germline): Uncertain significance (1 of 4 stars; one submission).

Conditions:
Inborn genetic diseases. Identifiers: MedGen C0950123, MeSH D030342.

Allele frequency attached by ClinVar (database versions not stated): gnomAD exomes below 0.00001.
gnomAD v4.1: 1 of 1,611,746 alleles (0.000062%); highest among the groups gnomAD compares: Non-Finnish European, 0.000085%; no homozygotes.

Submission:

Ambry Genetics
Classification: Uncertain significance for Inborn genetic diseases. Last evaluated: 2023-10-16. Review status: criteria provided, single submitter. Criteria: Ambry Variant Classification Scheme 2023. Collection method: clinical testing. Allele origin: germline.
Comment: The p.V611I variant (also known as c.1831G>A), located in coding exon 11 of the PIK3CA gene, results from a G to A substitution at nucleotide position 1831. The valine at codon 611 is replaced by isoleucine, an amino acid with highly similar properties. This amino acid position is conserved. In addition, this alteration is predicted to be tolerated by in silico analysis. Since supporting evidence is limited at this time, the clinical significance of this alteration remains unclear.